The following is an entry in ClinVar:

ClinVar aggregate classification (germline): Uncertain significance (1 of 4 stars; one submission).

gnomAD v4.1: 2 of 1,582,538 alleles (0.00013%); highest among the groups gnomAD compares: Admixed American, 0.0017%; no homozygotes.

Submission:

Labcorp Genetics (formerly Invitae), Labcorp
Classification: Uncertain significance. Last evaluated: 2025-03-10. Review status: criteria provided, single submitter. Criteria: Invitae Variant Classification Sherloc (09022015). Collection method: clinical testing. Allele origin: germline.
Comment: This sequence change replaces serine, which is neutral and polar, with phenylalanine, which is neutral and non-polar, at codon 67 of the TBX18 protein (p.Ser67Phe). This variant is not present in population databases (gnomAD no frequency). This variant has not been reported in the literature in individuals affected with TBX18-related conditions. An algorithm developed to predict the effect of missense changes on protein structure and function (PolyPhen-2) suggests that this variant is likely to be tolerated. In summary, the available evidence is currently insufficient to determine the role of this variant in disease. Therefore, it has been classified as a Variant of Uncertain Significance.

NM_001080508.3(TBX18):c.200C>T (p.Ser67Phe)

Gene: TBX18 (T-box transcription factor 18; minus strand). Cytogenetic location: 6q14.3.
Variant type: single nucleotide variant.
Coding change: c.200C>T on transcript NM_001080508.3 (MANE Select); coding-DNA position 200, C replaced by T.
Protein change: p.Ser67Phe; replaces serine 67 with phenylalanine.
Molecular consequence: missense variant.
Genome position (GRCh38, 1-based): chr6:84,763,982, G>A on the plus strand (C>T on the coding strand, the complement: TBX18 is on the minus strand). VCF-style: chr6-84763982-G-A. GRCh37 (hg19) VCF-style: chr6-85473700-G-A.
Other names: short protein forms S67F.
Identifiers: ClinVar variation 4697709 (VCV004697709.1).